The following is an entry in ClinVar:

NM_000350.3(ABCA4):c.6386G>A (p.Ser2129Asn)

Gene: ABCA4 (ATP binding cassette subfamily A member 4; minus strand). Cytogenetic location: 1p22.1.
Variant type: single nucleotide variant.
Coding change: c.6386G>A on transcript NM_000350.3 (MANE Select); coding-DNA position 6386, G replaced by A.
Protein change: p.Ser2129Asn; replaces serine 2129 with asparagine.
Molecular consequence: missense variant.
Genome position (GRCh38, 1-based): chr1:94,001,002, C>T on the plus strand (G>A on the coding strand, the complement: ABCA4 is on the minus strand). VCF-style: chr1-94001002-C-T. GRCh37 (hg19) VCF-style: chr1-94466558-C-T.
Other names: c.6164G>A, p.Ser2055Asn (NM_001425324.1); short protein forms S2129N, S2055N.
Identifiers: ClinVar variation 812194 (VCV000812194.14), dbSNP rs1571242070, ClinGen allele CA341277427.

ClinVar aggregate classification (germline): Likely pathogenic. Review status: criteria provided, multiple submitters, no conflicts (2 of 4 stars). 5 submissions from 5 submitters: Likely pathogenic (4). 1 of the submissions does not count toward it. Last evaluated 2025-07-15.

Conditions:
Stargardt disease (FFM). Also called: Stargardt's disease; Fundus flavimaculatus. Identifiers: Orphanet 827, MedGen C0271093, MONDO:0019353.
ABCA4-related disorder. Also called: ABCA4-related disorders; ABCA4-related condition. Identifiers: MedGen CN239167.
Age related macular degeneration 2. Also called: MACULAR DEGENERATION, SENILE; MACULOPATHY, AGE-RELATED; MACULOPATHY, AGE-RELATED, 2. Identifiers: MedGen C3495438, MONDO:0007932, OMIM 153800.
Cone-rod dystrophy. Also called: Cone/cone-rod dystrophy; Cone-rod degeneration. Identifiers: Orphanet 1872, MedGen C4085590, MONDO:0015993, HP:0000548.

gnomAD v4.1: 1 of 1,614,140 alleles (0.000062%); no homozygotes.

Submissions (5):

Women's Health and Genetics/Laboratory Corporation of America, LabCorp
Classification: Likely pathogenic for Stargardt disease. Last evaluated: 2025-07-15. Review status: criteria provided, single submitter. Criteria: LabCorp Variant Classification Summary - May 2015. Collection method: clinical testing. Allele origin: germline.
Comment: Variant summary: ABCA4 c.6386G>A (p.Ser2129Asn) results in a conservative amino acid change located in the ABC transporter-like, ATP-binding domain (IPR003439) of the encoded protein sequence. Algorithms developed to predict the effect of missense changes on protein structure and function are either unavailable or do not agree on the potential impact of this missense change. Several computational tools predict a significant impact on normal splicing: One predict the variant weakens a 5' donor site. However, these predictions have yet to be confirmed by functional studies. The variant allele was found at a frequency of 3.4e-05 in 262846 control chromosomes. c.6386G>A has been observed in individual(s) affected with Stargardt Disease and related conditions (Sharon_2019, internal_testing). These data indicate that the variant is likely to be associated with disease. To our knowledge, no experimental evidence demonstrating an impact on protein function has been reported. The following publications have been ascertained in the context of this evaluation (PMID: 31456290, 29706639). ClinVar contains an entry for this variant (Variation ID: 812194). Based on the evidence outlined above, the variant was classified as likely pathogenic.

Labcorp Genetics (formerly Invitae), Labcorp
Classification: Likely pathogenic. Last evaluated: 2025-03-17. Review status: criteria provided, single submitter. Criteria: Invitae Variant Classification Sherloc (09022015). Collection method: clinical testing. Allele origin: germline.
Comment: This sequence change replaces serine, which is neutral and polar, with asparagine, which is neutral and polar, at codon 2129 of the ABCA4 protein (p.Ser2129Asn). This variant also falls at the last nucleotide of exon 46, which is part of the consensus splice site for this exon. This variant is not present in population databases (gnomAD no frequency). This missense change has been observed in individual(s) with clinical features of ABCA4-related conditions and/or Stargardt disease (PMID: 31456290; internal data). ClinVar contains an entry for this variant (Variation ID: 812194). An algorithm developed to predict the effect of missense changes on protein structure and function (PolyPhen-2) suggests that this variant is likely to be disruptive. Variants that disrupt the consensus splice site are a relatively common cause of aberrant splicing (PMID: 17576681, 9536098). Algorithms developed to predict the effect of sequence changes on RNA splicing suggest that this variant may disrupt the consensus splice site. This variant disrupts the p.Ser2129 amino acid residue in ABCA4. Other variant(s) that disrupt this residue have been observed in individuals with ABCA4-related conditions (PMID: 39043154), which suggests that this may be a clinically significant amino acid residue. In summary, the currently available evidence indicates that the variant is pathogenic, but additional data are needed to prove that conclusively. Therefore, this variant has been classified as Likely Pathogenic.

Blueprint Genetics
Classification: Likely pathogenic for ABCA4-related disorders. Last evaluated: 2022-05-11. Review status: criteria provided, single submitter. Criteria: ACMG Guidelines, 2015. Collection method: clinical testing. Allele origin: germline. Affected: yes. Observed: 3 variant alleles.

Mendelics
Classification: Likely pathogenic for Age related macular degeneration 2. Last evaluated: 2022-05-04. Review status: criteria provided, single submitter. Criteria: Mendelics Assertion Criteria 2019. Collection method: clinical testing. Allele origin: germline.

Sharon lab, Hadassah-Hebrew University Medical Center
Classification: Pathogenic for Cone-rod degeneration. Last evaluated: 2019-06-23. Review status: no assertion criteria provided. Collection method: research. Allele origin: inherited. Affected: yes. Not counted in ClinVar's aggregate classification.

Literature cited by the submitters: PubMed 31456290 (cited by Women's Health and Genetics/Laboratory Corporation of America, LabCorp and Labcorp Genetics (formerly Invitae), Labcorp); PubMed 29706639 (cited by Women's Health and Genetics/Laboratory Corporation of America, LabCorp); PubMed 17576681 (cited by Labcorp Genetics (formerly Invitae), Labcorp); PubMed 9536098 (cited by Labcorp Genetics (formerly Invitae), Labcorp); PubMed 39043154 (cited by Labcorp Genetics (formerly Invitae), Labcorp).